The following is an entry in ClinVar:

ClinVar aggregate classification (germline): Uncertain significance (1 of 4 stars; one submission).

Submission:

Labcorp Genetics (formerly Invitae), Labcorp
Classification: Uncertain significance. Last evaluated: 2023-06-17. Review status: criteria provided, single submitter. Criteria: Invitae Variant Classification Sherloc (09022015). Collection method: clinical testing. Allele origin: germline.
Comment: This variant is not present in population databases (gnomAD no frequency). In summary, the available evidence is currently insufficient to determine the role of this variant in disease. Therefore, it has been classified as a Variant of Uncertain Significance. Advanced modeling of protein sequence and biophysical properties (such as structural, functional, and spatial information, amino acid conservation, physicochemical variation, residue mobility, and thermodynamic stability) performed at Invitae indicates that this missense variant is not expected to disrupt JAK2 protein function. This variant has not been reported in the literature in individuals affected with JAK2-related conditions. This sequence change replaces threonine, which is neutral and polar, with alanine, which is neutral and non-polar, at codon 420 of the JAK2 protein (p.Thr420Ala).

NM_004972.4(JAK2):c.1258A>G (p.Thr420Ala)

Genes: INSL6 (insulin like 6; minus strand), JAK2 (Janus kinase 2; plus strand). Cytogenetic location: 9p24.1.
Variant type: single nucleotide variant.
Coding change: c.1258A>G on transcript NM_004972.4 (MANE Select); coding-DNA position 1258, A replaced by G.
Protein change: p.Thr420Ala; replaces threonine 420 with alanine.
Molecular consequence: missense variant. On other transcripts: non-coding transcript variant (2).
Genome position (GRCh38, 1-based): chr9:5,066,721, A>G. VCF-style: chr9-5066721-A-G. GRCh37 (hg19) VCF-style: chr9-5066721-A-G.
Other names: c.1258A>G, p.Thr420Ala (NM_001322194.2, NM_001322195.2, NM_001322196.2); c.43A>G, p.Thr15Ala (NM_001322198.2, NM_001322199.2); c.811A>G, p.Thr271Ala (NM_001322204.2); short protein forms T271A, T420A, T15A.
Identifiers: ClinVar variation 2718723 (VCV002718723.3), dbSNP rs2489019994, ClinGen allele CA372824593.